The following is an entry in ClinVar:

ClinVar aggregate classification (germline): Conflicting classifications of pathogenicity. Review status: criteria provided, conflicting classifications (1 of 4 stars). 4 submissions from 4 submitters: Uncertain significance (3); Likely benign (1). Last evaluated 2026-01-05.

Conditions:
Fibromatosis, gingival, 1 (GINGF1). Identifiers: Orphanet 2024, MedGen C4551558, MONDO:0007609, OMIM 135300.
SOS1-related disorder. Also called: SOS1-related condition.
RASopathy. Also called: Noonan spectrum disorder; rasopathies. Identifiers: Orphanet 536391, MedGen C5555857, MONDO:0021060.

Allele frequency attached by ClinVar (database versions not stated): gnomAD exomes below 0.00001 and 0.00001; gnomAD 0.00001; TOPMed 0.00001; ExAC 0.00002.
gnomAD v4.1: 4 of 1,613,632 alleles (0.00025%); highest among the groups gnomAD compares: African/African-American, 0.0013%; no homozygotes.

Submissions (4):

Labcorp Genetics (formerly Invitae), Labcorp
Classification: Likely benign for RASopathy. Last evaluated: 2026-01-05. Review status: criteria provided, single submitter. Criteria: Invitae Variant Classification Sherloc (09022015). Collection method: clinical testing. Allele origin: germline.

Blueprint Genetics
Classification: Uncertain significance. Last evaluated: 2023-09-28. Review status: criteria provided, single submitter. Criteria: ACMG Guidelines, 2015. Collection method: clinical testing. Allele origin: germline.

PreventionGenetics, part of Exact Sciences
Classification: Uncertain significance for SOS1-related condition. Last evaluated: 2022-09-28. Review status: criteria provided, single submitter. Criteria: ACMG Guidelines, 2015. Collection method: clinical testing. Allele origin: germline.
Comment: The SOS1 c.2344A>G variant is predicted to result in the amino acid substitution p.Ile782Val. To our knowledge, this variant has not been reported in the literature. This variant is reported in 0.0018% of alleles in individuals of European (Non-Finnish) descent in gnomAD. At this time, the clinical significance of this variant is uncertain due to the absence of conclusive functional and genetic evidence.

Centre for Mendelian Genomics, University Medical Centre Ljubljana
Classification: Uncertain significance for Fibromatosis, gingival, 1. Last evaluated: 2019-05-10. Review status: criteria provided, single submitter. Criteria: ACMG Guidelines, 2015. Collection method: clinical testing. Allele origin: unknown. Affected: yes.
Comment: This variant was classified as: Uncertain significance. The available evidence on this variant's pathogenicity is insufficient or conflicting. The following ACMG criteria were applied in classifying this variant: PP3.

NM_005633.4(SOS1):c.2344A>G (p.Ile782Val)

Gene: SOS1 (SOS Ras/Rac guanine nucleotide exchange factor 1; minus strand). Cytogenetic location: 2p22.1.
Variant type: single nucleotide variant.
Coding change: c.2344A>G on transcript NM_005633.4 (MANE Select); coding-DNA position 2344, A replaced by G.
Protein change: p.Ile782Val; replaces isoleucine 782 with valine.
Molecular consequence: missense variant.
Genome position (GRCh38, 1-based): chr2:39,012,172, T>C on the plus strand (A>G on the coding strand, the complement: SOS1 is on the minus strand). VCF-style: chr2-39012172-T-C. GRCh37 (hg19) VCF-style: chr2-39239313-T-C.
Other names: c.2323A>G, p.Ile775Val (NM_001382394.1); c.2344A>G, p.Ile782Val (NM_001382395.1); short protein forms I782V, I775V.
Identifiers: ClinVar variation 931054 (VCV000931054.9), dbSNP rs778580742, ClinGen allele CA1624430.